The following is an entry in ClinVar:

NM_017654.4(SAMD9):c.346G>T (p.Gly116Cys)

Gene: SAMD9 (sterile alpha motif domain containing 9; minus strand). Cytogenetic location: 7q21.2.
Variant type: single nucleotide variant.
Coding change: c.346G>T on transcript NM_017654.4 (MANE Select); coding-DNA position 346, G replaced by T.
Protein change: p.Gly116Cys; replaces glycine 116 with cysteine.
Molecular consequence: missense variant.
Genome position (GRCh38, 1-based): chr7:93,105,752, C>A on the plus strand (G>T on the coding strand, the complement: SAMD9 is on the minus strand). VCF-style: chr7-93105752-C-A. GRCh37 (hg19) VCF-style: chr7-92735065-C-A.
Other names: c.346G>T, p.Gly116Cys (NM_001193307.2); short protein forms G116C.
Identifiers: ClinVar variation 3316112 (VCV003316112.4).

ClinVar aggregate classification (germline): Uncertain significance. Review status: criteria provided, multiple submitters, no conflicts (2 of 4 stars). 2 submissions from 2 submitters: Uncertain significance (2). Last evaluated 2024-12-09.

Conditions:
Inborn genetic diseases. Identifiers: MedGen C0950123, MeSH D030342.

gnomAD v4.1: 4 of 1,613,854 alleles (0.00025%); highest among the groups gnomAD compares: Non-Finnish European, 0.00034%; no homozygotes.

Submissions (2):

Ambry Genetics
Classification: Uncertain significance for Inborn genetic diseases. Last evaluated: 2024-12-09. Review status: criteria provided, single submitter. Criteria: Ambry Variant Classification Scheme 2023. Collection method: clinical testing. Allele origin: germline.
Comment: The p.G116C variant (also known as c.346G>T), located in coding exon 1 of the SAMD9 gene, results from a G to T substitution at nucleotide position 346. The glycine at codon 116 is replaced by cysteine, an amino acid with highly dissimilar properties. This amino acid position is conserved. In addition, this alteration is predicted to be tolerated by in silico analysis. Based on the available evidence, the clinical significance of this variant remains unclear.

Labcorp Genetics (formerly Invitae), Labcorp
Classification: Uncertain significance. Last evaluated: 2024-10-29. Review status: criteria provided, single submitter. Criteria: Invitae Variant Classification Sherloc (09022015). Collection method: clinical testing. Allele origin: germline.
Comment: This sequence change replaces glycine, which is neutral and non-polar, with cysteine, which is neutral and slightly polar, at codon 116 of the SAMD9 protein (p.Gly116Cys). This variant is present in population databases (rs763877299, gnomAD 0.007%). This variant has not been reported in the literature in individuals affected with SAMD9-related conditions. Invitae Evidence Modeling of protein sequence and biophysical properties (such as structural, functional, and spatial information, amino acid conservation, physicochemical variation, residue mobility, and thermodynamic stability) indicates that this missense variant is not expected to disrupt SAMD9 protein function with a negative predictive value of 95%. In summary, the available evidence is currently insufficient to determine the role of this variant in disease. Therefore, it has been classified as a Variant of Uncertain Significance.